The following is an entry in ClinVar:

ClinVar aggregate classification (germline): Likely benign (1 of 4 stars; one submission).

Conditions:
NEK2-related disorder. Also called: NEK2-related condition.

Submission:

PreventionGenetics, part of Exact Sciences
Classification: Likely benign for NEK2-related condition. Last evaluated: 2026-09-15. Review status: criteria provided, single submitter. Criteria: ACMG Guidelines, 2015. Collection method: clinical testing. Allele origin: germline.
Comment: This variant is classified as likely benign based on ACMG/AMP sequence variant interpretation guidelines (Richards et al. 2015 PMID: 25741868, with internal and published modifications).

NM_001204182.2(NEK2):c.1112-8dup

Gene: NEK2 (NIMA related kinase 2; minus strand). Cytogenetic location: 1q32.3.
Variant type: Duplication.
Coding change: c.1112-8dup on transcript NM_001204182.2; 8 bases into the intron before coding-DNA position 1112, one base duplicated (T; older notation c.1112-8dupT).
Molecular consequence: intron variant.
Genome position (GRCh38, 1-based): chr1:211,658,720, A duplicated on the plus strand (T on the coding strand, the reverse complement: NEK2 is on the minus strand); the first of 29 consecutive A bases (chr1:211,658,720-211,658,748); duplicating any one gives the same sequence. VCF-style (leftmost placement, unchanged base first): chr1-211658719-C-CA. GRCh37 (hg19) VCF-style: chr1-211832061-C-CA.
Identifiers: ClinVar variation 4977689 (VCV004977689.1).